The following is an entry in ClinVar:

NM_000918.4(P4HB):c.912C>T (p.Phe304=)

Gene: P4HB (prolyl 4-hydroxylase subunit beta; minus strand). Cytogenetic location: 17q25.3.
Variant type: single nucleotide variant.
Coding change: c.912C>T on transcript NM_000918.4 (MANE Select); coding-DNA position 912, C replaced by T.
Protein change: p.Phe304=; no amino-acid change (phenylalanine 304 retained).
Molecular consequence: synonymous variant.
Genome position (GRCh38, 1-based): chr17:81,846,573, G>A on the plus strand (C>T on the coding strand, the complement: P4HB is on the minus strand). VCF-style: chr17-81846573-G-A. GRCh37 (hg19) VCF-style: chr17-79804449-G-A.
Identifiers: ClinVar variation 3053667 (VCV003053667.2), dbSNP rs2509951000, ClinGen allele CA502310633.

ClinVar aggregate classification (germline): Likely benign (0 of 4 stars; one submission).

Conditions:
P4HB-related disorder. Also called: P4HB-related condition.

Submission:

PreventionGenetics, part of Exact Sciences
Classification: Likely benign for P4HB-related condition. Last evaluated: 2022-09-20. Review status: no assertion criteria provided. Collection method: clinical testing. Allele origin: germline.
Comment: This variant is classified as likely benign based on ACMG/AMP sequence variant interpretation guidelines (Richards et al. 2015 PMID: 25741868, with internal and published modifications).